The following is an entry in ClinVar:

NM_003410.4(ZFX):c.68G>T (p.Gly23Val)

Gene: ZFX (zinc finger protein X-linked; plus strand). Cytogenetic location: Xp22.11.
Variant type: single nucleotide variant.
Coding change: c.68G>T on transcript NM_003410.4 (MANE Select); coding-DNA position 68, G replaced by T.
Protein change: p.Gly23Val; replaces glycine 23 with valine.
Molecular consequence: missense variant. On other transcripts: intron variant (1).
Genome position (GRCh38, 1-based): chrX:24,179,192, G>T. VCF-style: chrX-24179192-G-T. GRCh37 (hg19) VCF-style: chrX-24197309-G-T.
Other names: c.68G>T, p.Gly23Val (NM_001178084.2, NM_001178085.1, NM_001178095.2); c.185G>T, p.Gly62Val (NM_001330327.2); c.-41-28134G>T (NM_001178086.2); short protein forms G23V, G62V.
Identifiers: ClinVar variation 3342641 (VCV003342641.1).

ClinVar aggregate classification (germline): Uncertain significance (1 of 4 stars; one submission).

gnomAD v4.1: 3 of 1,206,864 alleles (0.00025%); highest among the groups gnomAD compares: Non-Finnish European, 0.00034%; no homozygotes.

Submission:

GeneDx
Classification: Uncertain significance. Last evaluated: 2022-09-21. Review status: criteria provided, single submitter. Criteria: GeneDx Variant Classification Process June 2021. Collection method: clinical testing. Allele origin: germline. Affected: yes.
Comment: Not observed at significant frequency in large population cohorts (gnomAD); In silico analysis supports that this missense variant has a deleterious effect on protein structure/function; Variants in candidate genes are classified as variants of uncertain significance in accordance with ACMG guidelines (Richards et al., 2015); Has not been previously published as pathogenic or benign to our knowledge